The following is an entry in ClinVar:

ClinVar aggregate classification (germline): Uncertain significance (0 of 4 stars; one submission).

Conditions:
Developmental cataract. Also called: Congenital cataracts; Bilateral cataracts; Congenital cataract. Identifiers: MedGen C0009691, HP:0000519.

Submission:

Dept. Genetics and Cancer, Menzies Institute for Medical Research, University of Tasmania
Classification: Uncertain significance for Developmental cataract. Last evaluated: 2021-05-01. Review status: no assertion criteria provided. Criteria: ACMG Guidelines, 2015. Collection method: research. Allele origin: germline. Affected: yes.
Comment: PM2, PP3. Absent/near absent from population databases and multiple predictive tools assessing variant as damaging/pathogenic. BS4. Lack of segregation in affected member of family.

NM_018060.4(IARS2):c.1166G>C (p.Gly389Ala)

Gene: IARS2 (isoleucyl-tRNA synthetase 2, mitochondrial; plus strand). Cytogenetic location: 1q41.
Variant type: single nucleotide variant.
Coding change: c.1166G>C on transcript NM_018060.4 (MANE Select); coding-DNA position 1166, G replaced by C.
Protein change: p.Gly389Ala; replaces glycine 389 with alanine.
Molecular consequence: missense variant.
Genome position (GRCh38, 1-based): chr1:220,105,990, G>C. VCF-style: chr1-220105990-G-C. GRCh37 (hg19) VCF-style: chr1-220279332-G-C.
Other names: short protein forms G389A.
Identifiers: ClinVar variation 1065600 (VCV001065600.1), dbSNP rs2102820352, ClinGen allele CA344630536.